The following is an entry in ClinVar:

ClinVar aggregate classification (germline): Conflicting classifications of pathogenicity. Review status: criteria provided, conflicting classifications (1 of 4 stars). 4 submissions from 4 submitters: Likely pathogenic (1); Uncertain significance (3). Last evaluated 2025-11-06.

Conditions:
B3GALNT2-related disorders.
Muscular dystrophy-dystroglycanopathy (congenital with brain and eye anomalies), type a, 11 (MDDGA11). Also called: Muscular dystrophy-dystroglycanopathy (congenital with brain and eye anomalies, type A, 11; WALKER-WARBURG SYNDROME OR MUSCLE-EYE-BRAIN DISEASE, B3GALNT2-RELATED; Congenital muscular dystrophy-dystroglycanopathy with brain and eye anomalies, type A11. Identifiers: Orphanet 588, Orphanet 899, MedGen C3554638, MONDO:0014071, OMIM 615181.
Inborn genetic diseases. Identifiers: MedGen C0950123, MeSH D030342.

Allele frequency attached by ClinVar (database versions not stated): TOPMed below 0.00001; ExAC 0.00001; gnomAD exomes 0.00001.
gnomAD v4.1: 13 of 1,604,970 alleles (0.00081%); highest among the groups gnomAD compares: Non-Finnish European, 0.0011%; no homozygotes.

Submissions (4):

Ambry Genetics
Classification: Uncertain significance for Inborn genetic diseases. Last evaluated: 2025-11-06. Review status: criteria provided, single submitter. Criteria: Ambry Variant Classification Scheme 2023. Collection method: clinical testing. Allele origin: germline.

GeneDx
Classification: Uncertain significance. Last evaluated: 2025-06-23. Review status: criteria provided, single submitter. Criteria: GeneDx Variant Classification Process June 2021. Collection method: clinical testing. Allele origin: germline. Affected: yes.
Comment: Not observed at significant frequency in large population cohorts (gnomAD); In silico analysis supports that this missense variant has a deleterious effect on protein structure/function; Has not been previously published as pathogenic or benign to our knowledge

Blueprint Genetics
Classification: Likely pathogenic for B3GALNT2-related disorders. Last evaluated: 2022-07-07. Review status: criteria provided, single submitter. Criteria: ACMG Guidelines, 2015. Collection method: clinical testing. Allele origin: germline. Affected: yes. Observed: 1 variant allele.

Revvity Omics, Revvity
Classification: Uncertain significance for Muscular dystrophy-dystroglycanopathy (congenital with brain and eye anomalies), type a, 11. Last evaluated: 2019-04-02. Review status: criteria provided, single submitter. Criteria: ACMG Guidelines, 2015. Collection method: clinical testing. Allele origin: germline.

NM_152490.5(B3GALNT2):c.1088T>G (p.Leu363Arg)

Gene: B3GALNT2 (beta-1,3-N-acetylgalactosaminyltransferase 2; minus strand). Cytogenetic location: 1q42.3.
Variant type: single nucleotide variant.
Coding change: c.1088T>G on transcript NM_152490.5 (MANE Select); coding-DNA position 1088, T replaced by G.
Protein change: p.Leu363Arg; replaces leucine 363 with arginine.
Molecular consequence: missense variant.
Genome position (GRCh38, 1-based): chr1:235,455,622, A>C on the plus strand (T>G on the coding strand, the complement: B3GALNT2 is on the minus strand). VCF-style: chr1-235455622-A-C. GRCh37 (hg19) VCF-style: chr1-235618934-A-C.
Other names: c.1088T>G (NM_152490.3); short protein forms L363R.
Identifiers: ClinVar variation 2320311 (VCV002320311.8), dbSNP rs752094844, ClinGen allele CA1464695.
Genomic context (GRCh38, chr1:235,455,622, plus strand): 5'-CCCCACCAAAAATTAGGCCCATCCAGATTCTTTTGGACAATCCTATTAAATACAGCTTCG[A>C]GGTCTATGTAACAGTCATCATCTGTCTTCAGCAACAAATTGAAGCTCGTTGTTTCCACAG-3'
Protein context (NP_689703.1, residues 353-373): LKTDDDCYID[Leu363Arg]EAVFNRIVQK